The following is an entry in ClinVar:

ClinVar aggregate classification (germline): Likely benign (1 of 4 stars; one submission).

Submission:

Women's Health and Genetics/Laboratory Corporation of America, LabCorp
Classification: Likely benign. Last evaluated: 2025-03-24. Review status: criteria provided, single submitter. Criteria: LabCorp Variant Classification Summary - May 2015. Collection method: clinical testing. Allele origin: germline.
Comment: Variant summary: PON2 c.613_615delGTT (p.Val205del) results in an in-frame deletion that is predicted to remove one amino acid from the encoded protein. The variant allele was found at a frequency of 0.00033 in 251304 control chromosomes in the gnomAD database, including one homozygote. The observed variant frequency is approximately 17 fold of the estimated maximal expected allele frequency for a pathogenic variant in PON2 causing Early Onset Coronary Artery Disease phenotype (2e-05). To our knowledge, no occurrence of c.613_615delGTT in individuals affected with Early Onset Coronary Artery Disease and no experimental evidence demonstrating its impact on protein function have been reported. ClinVar contains an entry for this variant (Variation ID: 495800). Based on the evidence outlined above, the variant was classified as likely benign.

NM_000305.3(PON2):c.610GTT[1] (p.Val205del)

Genes: ASB4 (ankyrin repeat and SOCS box containing 4; plus strand), PON2 (paraoxonase 2; minus strand), LOC107986822 (uncharacterized LOC107986822; plus strand). Cytogenetic location: 7q21.3.
Variant type: Microsatellite.
Coding change: c.610GTT[1] on transcript NM_000305.3 (MANE Select); one copy of the 3-base unit GTT starting at c.610; the reference has two copies in a row; one copy, 3 bases deleted.
Protein change: p.Val205del; deletes valine 205.
Molecular consequence: inframe deletion.
Genome position (GRCh38, 1-based): chr7:95,409,981-95,409,983, AAC deleted on the plus strand (GTT on the coding strand, the reverse complement: PON2 is on the minus strand); deleting any 3 consecutive bases within chr7:95,409,981-95,409,987 gives the same sequence; the position shown is the placement nearest the transcript's 3' end. VCF-style (leftmost placement, unchanged base first): chr7-95409980-AAAC-A. GRCh37 (hg19) VCF-style: chr7-95039292-AAAC-A.
Other names: c.574GTT[1], p.Val193del (NM_001018161.2); c.613_615delGTT (NM_000305.3); short protein forms V205del, V193del.
Identifiers: ClinVar variation 495800 (VCV000495800.3), dbSNP rs574854691, ClinGen allele CA4351012.